The following is an entry in ClinVar:

NM_001112741.2(KCNC1):c.1391C>T (p.Pro464Leu)

Gene: KCNC1 (potassium voltage-gated channel subfamily C member 1; plus strand). Cytogenetic location: 11p15.1.
Variant type: single nucleotide variant.
Coding change: c.1391C>T on transcript NM_001112741.2 (MANE Select); coding-DNA position 1391, C replaced by T.
Protein change: p.Pro464Leu; replaces proline 464 with leucine.
Molecular consequence: missense variant.
Genome position (GRCh38, 1-based): chr11:17,772,485, C>T. VCF-style: chr11-17772485-C-T. GRCh37 (hg19) VCF-style: chr11-17794032-C-T.
Other names: c.1391C>T, p.Pro464Leu (NM_004976.4); short protein forms P464L.
Identifiers: ClinVar variation 1026165 (VCV001026165.9), dbSNP rs899899700, ClinGen allele CA218469116.

ClinVar aggregate classification (germline): Uncertain significance (1 of 4 stars; one submission).

Conditions:
Progressive myoclonic epilepsy type 7. Identifiers: Orphanet 435438, MedGen C4015420, MONDO:0014521, OMIM 616187.

Allele frequency attached by ClinVar (database versions not stated): gnomAD 0.00001; gnomAD exomes 0.00001; TOPMed 0.00002.
gnomAD v4.1: 12 of 1,614,096 alleles (0.00074%); highest among the groups gnomAD compares: South Asian, 0.0011%; no homozygotes.

Submission:

Labcorp Genetics (formerly Invitae), Labcorp
Classification: Uncertain significance for Progressive myoclonic epilepsy type 7. Last evaluated: 2022-12-09. Review status: criteria provided, single submitter. Criteria: Invitae Variant Classification Sherloc (09022015). Collection method: clinical testing. Allele origin: germline.
Comment: In summary, the available evidence is currently insufficient to determine the role of this variant in disease. Therefore, it has been classified as a Variant of Uncertain Significance. Advanced modeling of protein sequence and biophysical properties (such as structural, functional, and spatial information, amino acid conservation, physicochemical variation, residue mobility, and thermodynamic stability) performed at Invitae indicates that this missense variant is not expected to disrupt KCNC1 protein function. ClinVar contains an entry for this variant (Variation ID: 1026165). This variant has not been reported in the literature in individuals affected with KCNC1-related conditions. The frequency data for this variant in the population databases is considered unreliable, as metrics indicate poor data quality at this position in the gnomAD database. This sequence change replaces proline, which is neutral and non-polar, with leucine, which is neutral and non-polar, at codon 464 of the KCNC1 protein (p.Pro464Leu).